The following is an entry in ClinVar:

NM_007118.4(TRIO):c.4809G>A (p.Glu1603=)

Gene: TRIO (trio Rho guanine nucleotide exchange factor; plus strand). Cytogenetic location: 5p15.2.
Variant type: single nucleotide variant.
Coding change: c.4809G>A on transcript NM_007118.4 (MANE Select); coding-DNA position 4809, G replaced by A.
Protein change: p.Glu1603=; no amino-acid change (glutamic acid 1603 retained).
Molecular consequence: synonymous variant. On other transcripts: non-coding transcript variant (1).
Genome position (GRCh38, 1-based): chr5:14,405,940, G>A. VCF-style: chr5-14405940-G-A. GRCh37 (hg19) VCF-style: chr5-14406049-G-A.
Other names: c.4809G>A (NM_007118.3).
Identifiers: ClinVar variation 1675975 (VCV001675975.34), dbSNP rs746634561, ClinGen allele CA3206573.
Genomic context (GRCh38, chr5:14,405,940, plus strand): 5'-AAAGCATATCCGCGAAGTCATCCAGGAGCGGACGATCCACCTGAAGGGAGCCCTGAAGGA[G>A]CCCATTCACATCCCTAAGACCGCTCCCGCCACAAGACAGAAGGGAAGGAGGTGCGTGTCT-3'
Protein context (NP_009049.2, residues 1593-1613): RTIHLKGALK[Glu1603=]PIHIPKTAPA

ClinVar aggregate classification (germline): Likely benign. Review status: criteria provided, single submitter (1 of 4 stars). 2 submissions from 2 submitters: Likely benign (1). 1 of the submissions does not count toward it. Last evaluated 2022-01-01.

Conditions:
TRIO-related disorder. Also called: TRIO-related condition; TRIO-related disorders.

Allele frequency attached by ClinVar (database versions not stated): ExAC 0.00002; gnomAD exomes 0.00003.
gnomAD v4.1: 96 of 1,612,018 alleles (0.006%); highest among the groups gnomAD compares: Non-Finnish European, 0.0073%; no homozygotes.

Submissions (2):

CeGaT Center for Human Genetics Tuebingen
Classification: Likely benign. Last evaluated: 2022-01-01. Review status: criteria provided, single submitter. Criteria: CeGaT Center For Human Genetics Tuebingen Variant Classification Criteria Version 2. Collection method: clinical testing. Allele origin: germline. Affected: yes. Observed: 1 variant allele.

PreventionGenetics, part of Exact Sciences
Classification: Likely benign for TRIO-related condition. Last evaluated: 2022-01-19. Review status: no assertion criteria provided. Collection method: clinical testing. Allele origin: germline. Not counted in ClinVar's aggregate classification.
Comment: This variant is classified as likely benign based on ACMG/AMP sequence variant interpretation guidelines (Richards et al. 2015 PMID: 25741868, with internal and published modifications).